The following is an entry in ClinVar:

ClinVar aggregate classification (germline): Uncertain significance. Review status: criteria provided, multiple submitters, no conflicts (2 of 4 stars). 2 submissions from 2 submitters: Uncertain significance (2). Last evaluated 2024-07-23.

Conditions:
Hereditary spastic paraplegia 39 (SPG39). Also called: Spastic Paraplegia Type 39 (SPG39); SPASTIC PARAPLEGIA 39, AUTOSOMAL RECESSIVE. Identifiers: Orphanet 139480, MedGen C2677586, MONDO:0012787, OMIM 612020.

gnomAD v4.1: 13 of 1,584,884 alleles (0.00082%); highest among the groups gnomAD compares: African/African-American, 0.0054%; no homozygotes.

Submissions (2):

GeneDx
Classification: Uncertain significance. Last evaluated: 2024-07-23. Review status: criteria provided, single submitter. Criteria: GeneDx Variant Classification Process June 2021. Collection method: clinical testing. Allele origin: germline. Affected: yes.
Comment: Not observed at significant frequency in large population cohorts (gnomAD); In silico analysis supports that this missense variant has a deleterious effect on protein structure/function; Has not been previously published as pathogenic or benign to our knowledge

Labcorp Genetics (formerly Invitae), Labcorp
Classification: Uncertain significance for Hereditary spastic paraplegia 39. Last evaluated: 2021-02-08. Review status: criteria provided, single submitter. Criteria: Invitae Variant Classification Sherloc (09022015). Collection method: clinical testing. Allele origin: germline.
Comment: In summary, the available evidence is currently insufficient to determine the role of this variant in disease. Therefore, it has been classified as a Variant of Uncertain Significance. Algorithms developed to predict the effect of missense changes on protein structure and function are either unavailable or do not agree on the potential impact of this missense change (SIFT: "Deleterious"; PolyPhen-2: "Possibly Damaging"; Align-GVGD: "Class C0"). This variant has not been reported in the literature in individuals with PNPLA6-related conditions. This variant is not present in population databases (ExAC no frequency). This sequence change replaces arginine with tryptophan at codon 337 of the PNPLA6 protein (p.Arg337Trp). The arginine residue is weakly conserved and there is a moderate physicochemical difference between arginine and tryptophan.

NM_001166114.2(PNPLA6):c.1126C>T (p.Arg376Trp)

Gene: PNPLA6 (patatin like domain 6, lysophospholipase; plus strand). Cytogenetic location: 19p13.2.
Variant type: single nucleotide variant.
Coding change: c.1126C>T on transcript NM_001166114.2 (MANE Select); coding-DNA position 1126, C replaced by T.
Protein change: p.Arg376Trp; replaces arginine 376 with tryptophan.
Molecular consequence: missense variant.
Genome position (GRCh38, 1-based): chr19:7,541,642, C>T. VCF-style: chr19-7541642-C-T. GRCh37 (hg19) VCF-style: chr19-7606528-C-T.
Other names: c.1153C>T, p.Arg385Trp (NM_001166111.2); c.1009C>T, p.Arg337Trp (NM_001166112.2, NM_001166113.1, NM_006702.5); short protein forms R376W, R337W, R385W.
Identifiers: ClinVar variation 836960 (VCV000836960.8), dbSNP rs780122556, ClinGen allele CA403109815.